The following is an entry in ClinVar:

ClinVar aggregate classification (germline): Uncertain significance (1 of 4 stars; one submission).

Conditions:
Hereditary cancer-predisposing syndrome. Also called: Neoplastic Syndromes, Hereditary; Tumor predisposition; Hereditary neoplastic syndrome; Hereditary Cancer Syndrome. Identifiers: Orphanet 140162, MedGen C0027672, MeSH D009386, MONDO:0015356.

Submission:

Ambry Genetics
Classification: Uncertain significance for Hereditary cancer-predisposing syndrome. Last evaluated: 2026-06-21. Review status: criteria provided, single submitter. Criteria: Ambry Variant Classification Scheme 2023. Collection method: clinical testing. Allele origin: germline.
Comment: The p.T168S variant (also known as c.502A>T), located in coding exon 5 of the RB1 gene, results from an A to T substitution at nucleotide position 502. The threonine at codon 168 is replaced by serine, an amino acid with similar properties. This amino acid position is conserved. In addition, this alteration is predicted to be tolerated by in silico analysis. Based on the available evidence, the clinical significance of this variant remains unclear.

NM_000321.3(RB1):c.502A>T (p.Thr168Ser)

Gene: RB1 (RB transcriptional corepressor 1; plus strand). Cytogenetic location: 13q14.2.
Variant type: single nucleotide variant.
Coding change: c.502A>T on transcript NM_000321.3 (MANE Select); coding-DNA position 502, A replaced by T.
Protein change: p.Thr168Ser; replaces threonine 168 with serine.
Molecular consequence: missense variant.
Genome position (GRCh38, 1-based): chr13:48,347,826, A>T. VCF-style: chr13-48347826-A-T. GRCh37 (hg19) VCF-style: chr13-48921962-A-T.
Other names: c.502A>T, p.Thr168Ser (NM_001407165.1, NM_001407166.1); short protein forms T168S.
Identifiers: ClinVar variation 5027917 (VCV005027917.1).